The following is an entry in ClinVar:

NM_001458.5(FLNC):c.4269C>T (p.Phe1423=)

Gene: FLNC (filamin C; plus strand). Cytogenetic location: 7q32.1.
Variant type: single nucleotide variant.
Coding change: c.4269C>T on transcript NM_001458.5 (MANE Select); coding-DNA position 4269, C replaced by T.
Protein change: p.Phe1423=; no amino-acid change (phenylalanine 1423 retained).
Molecular consequence: synonymous variant.
Genome position (GRCh38, 1-based): chr7:128,846,886, C>T. VCF-style: chr7-128846886-C-T. GRCh37 (hg19) VCF-style: chr7-128486940-C-T.
Other names: c.4269C>T, p.Phe1423= (NM_001127487.2).
Identifiers: ClinVar variation 718218 (VCV000718218.35), dbSNP rs781089974, ClinGen allele CA4475278.

ClinVar aggregate classification (germline): Likely benign. Review status: criteria provided, multiple submitters, no conflicts (2 of 4 stars). 5 submissions from 5 submitters: Likely benign (5). Last evaluated 2026-01-05.

Conditions:
Myofibrillar myopathy 5. Also called: Filaminopathy (type); FILAMINOPATHY, AUTOSOMAL DOMINANT. Identifiers: Orphanet 171445, MedGen C1836050, MONDO:0012289, OMIM 609524.
Distal myopathy with posterior leg and anterior hand involvement. Also called: WILLIAMS DISTAL MYOPATHY. Identifiers: Orphanet 63273, MedGen C3279722, MONDO:0013550, OMIM 614065.
Hypertrophic cardiomyopathy 26. Also called: Cardiomyopathy, familial hypertrophic, 26. Identifiers: Orphanet 75249, MedGen C4310749, MONDO:0014883, OMIM 617047.
FLNC-related disorder. Also called: FLNC-related disorders; FLNC-related condition.
Cardiovascular phenotype. Identifiers: MedGen CN230736.

Allele frequency attached by ClinVar (database versions not stated): ExAC 0.00001; gnomAD 0.00002 and 0.00003; gnomAD exomes 0.00003 and 0.00006; TOPMed 0.00006.

Submissions (5):

Labcorp Genetics (formerly Invitae), Labcorp
Classification: Likely benign for Distal myopathy with posterior leg and anterior hand involvement; Myofibrillar myopathy 5; Hypertrophic cardiomyopathy 26. Last evaluated: 2026-01-05. Review status: criteria provided, single submitter. Criteria: Invitae Variant Classification Sherloc (09022015). Collection method: clinical testing. Allele origin: germline.

PreventionGenetics, part of Exact Sciences
Classification: Likely benign for FLNC-related condition. Last evaluated: 2025-04-05. Review status: criteria provided, single submitter. Criteria: ACMG Guidelines, 2015. Collection method: clinical testing. Allele origin: germline.
Comment: This variant is classified as likely benign based on ACMG/AMP sequence variant interpretation guidelines (Richards et al. 2015 PMID: 25741868, with internal and published modifications).

CeGaT Center for Human Genetics Tuebingen
Classification: Likely benign. Last evaluated: 2023-10-01. Review status: criteria provided, single submitter. Criteria: CeGaT Center For Human Genetics Tuebingen Variant Classification Criteria Version 2. Collection method: clinical testing. Allele origin: germline. Affected: yes. Observed: 1 variant allele.
Comment: FLNC: BP4, BP7

Blueprint Genetics
Classification: Likely benign. Last evaluated: 2023-01-11. Review status: criteria provided, single submitter. Criteria: ACMG Guidelines, 2015. Collection method: clinical testing. Allele origin: germline.

Ambry Genetics
Classification: Likely benign for Cardiovascular phenotype. Last evaluated: 2019-11-19. Review status: criteria provided, single submitter. Criteria: Ambry Variant Classification Scheme 2023. Collection method: clinical testing. Allele origin: germline.